The following is an entry in ClinVar:

NM_001394062.1(MACF1):c.2194C>T (p.Arg732Cys)

Gene: MACF1 (microtubule actin crosslinking factor 1; plus strand). Cytogenetic location: 1p34.3.
Variant type: single nucleotide variant.
Coding change: c.2194C>T on transcript NM_001394062.1 (MANE Select); coding-DNA position 2194, C replaced by T.
Protein change: p.Arg732Cys; replaces arginine 732 with cysteine.
Molecular consequence: missense variant.
Genome position (GRCh38, 1-based): chr1:39,295,085, C>T. VCF-style: chr1-39295085-C-T. GRCh37 (hg19) VCF-style: chr1-39760757-C-T.
Other names: c.2209C>T, p.Arg737Cys (NM_012090.5); short protein forms R732C, R737C.
Identifiers: ClinVar variation 2857660 (VCV002857660.3), dbSNP rs754711562, ClinGen allele CA20921638.

ClinVar aggregate classification (germline): Uncertain significance (1 of 4 stars; one submission).

Allele frequency attached by ClinVar (database versions not stated): gnomAD exomes below 0.00001; gnomAD 0.00001; TOPMed 0.00001.
gnomAD v4.1: 8 of 1,613,884 alleles (0.0005%); highest among the groups gnomAD compares: South Asian, 0.0055%; no homozygotes.

Submission:

Labcorp Genetics (formerly Invitae), Labcorp
Classification: Uncertain significance. Last evaluated: 2023-08-23. Review status: criteria provided, single submitter. Criteria: Invitae Variant Classification Sherloc (09022015). Collection method: clinical testing. Allele origin: germline.
Comment: This variant is present in population databases (rs754711562, gnomAD 0.01%). In summary, the available evidence is currently insufficient to determine the role of this variant in disease. Therefore, it has been classified as a Variant of Uncertain Significance. An algorithm developed to predict the effect of missense changes on protein structure and function (PolyPhen-2) suggests that this variant is likely to be disruptive. This variant has not been reported in the literature in individuals affected with MACF1-related conditions. This sequence change replaces arginine, which is basic and polar, with cysteine, which is neutral and slightly polar, at codon 737 of the MACF1 protein (p.Arg737Cys).